The following is an entry in ClinVar:

NM_000090.4(COL3A1):c.1856C>T (p.Pro619Leu)

Gene: COL3A1 (collagen type III alpha 1 chain; plus strand). Cytogenetic location: 2q32.2.
Variant type: single nucleotide variant.
Coding change: c.1856C>T on transcript NM_000090.4 (MANE Select); coding-DNA position 1856, C replaced by T.
Protein change: p.Pro619Leu; replaces proline 619 with leucine.
Molecular consequence: missense variant.
Genome position (GRCh38, 1-based): chr2:188,997,376, C>T. VCF-style: chr2-188997376-C-T. GRCh37 (hg19) VCF-style: chr2-189862102-C-T.
Other names: p.Pro619Leu; short protein forms P619L.
Identifiers: ClinVar variation 333057 (VCV000333057.34), dbSNP rs373838193, ClinGen allele CA074732.

ClinVar aggregate classification (germline): Conflicting classifications of pathogenicity. Review status: criteria provided, conflicting classifications (1 of 4 stars). 10 submissions from 10 submitters: Uncertain significance (6); Likely benign (3). 1 of the submissions does not count toward it. Last evaluated 2026-01-25.

Conditions:
Ehlers-Danlos syndrome, type 4 (EDSVASC). Also called: Ehlers-Danlos Syndrome Type IV; Ehlers-Danlos syndrome vascular type; Ehlers Danlos syndrome, ecchymotic type; Ehlers Danlos syndrome, arterial type; Ehlers Danlos syndrome, Sack-Barabas type. Identifiers: Orphanet 286, MedGen C0268338, MONDO:0017314, OMIM 130050.
Familial thoracic aortic aneurysm and aortic dissection (TAAD). Also called: Thoracic aortic aneurysms and dissections. Identifiers: Orphanet 91387, MedGen C4707243, MONDO:0019625.

Allele frequency attached by ClinVar (database versions not stated): ExAC 0.00006; ESP Exome Variant Server 0.00008; gnomAD 0.00011; TOPMed 0.00011.
gnomAD v4.1: 293 of 1,613,526 alleles (0.018%); highest among the groups gnomAD compares: Non-Finnish European, 0.024%; 2 homozygotes.

Submissions (10):

Labcorp Genetics (formerly Invitae), Labcorp
Classification: Uncertain significance for Ehlers-Danlos syndrome, type 4. Last evaluated: 2026-01-25. Review status: criteria provided, single submitter. Criteria: Invitae Variant Classification Sherloc (09022015). Collection method: clinical testing. Allele origin: germline.
Comment: This sequence change replaces proline, which is neutral and non-polar, with leucine, which is neutral and non-polar, at codon 619 of the COL3A1 protein (p.Pro619Leu). This variant is present in population databases (rs373838193, gnomAD 0.008%). This variant has not been reported in the literature in individuals affected with COL3A1-related conditions. ClinVar contains an entry for this variant (Variation ID: 333057). Invitae Evidence Modeling of protein sequence and biophysical properties (such as structural, functional, and spatial information, amino acid conservation, physicochemical variation, residue mobility, and thermodynamic stability) indicates that this missense variant is not expected to disrupt COL3A1 protein function with a negative predictive value of 95%. In summary, the available evidence is currently insufficient to determine the role of this variant in disease. Therefore, it has been classified as a Variant of Uncertain Significance.

Women's Health and Genetics/Laboratory Corporation of America, LabCorp
Classification: Uncertain significance. Last evaluated: 2025-12-26. Review status: criteria provided, single submitter. Criteria: LabCorp Variant Classification Summary - May 2015. Collection method: clinical testing. Allele origin: germline.
Comment: Variant summary: COL3A1 c.1856C>T (p.Pro619Leu) results in a non-conservative amino acid change in the encoded protein sequence. Algorithms developed to predict the effect of missense changes on protein structure and function all suggest that this variant is likely to be disruptive. The variant allele was found at a frequency of 4e-05 in 251170 control chromosomes (gnomAD). This frequency is not significantly higher than estimated for disease-causing variants in COL3A1, allowing no conclusion about variant significance. c.1856C>T has been observed in one individual affected with small vessel disease, without strong evidence for causality (Tan_2019). This report does not provide unequivocal conclusions about association of the variant with Polymicrogyria with or without vascular-type Ehlers-Danlos syndrome. To our knowledge, no experimental evidence demonstrating an impact on protein function has been reported. The following publication has been ascertained in the context of this evaluation (PMID: 31719132). ClinVar contains an entry for this variant (Variation ID: 333057). Based on the evidence outlined above, the variant was classified as uncertain significance.

GeneDx
Classification: Uncertain significance. Last evaluated: 2025-04-30. Review status: criteria provided, single submitter. Criteria: GeneDx Variant Classification Process June 2021. Collection method: clinical testing. Allele origin: germline. Affected: yes.
Comment: Identified in a patient with small vessel disease (PMID: 31719132); however, detailed clinical information was not provided; In silico analysis supports that this missense variant has a deleterious effect on protein structure/function; Occurs in the triple helical domain at the X position in the canonical Gly-X-Y repeat; although this variant may have an effect on normal protein folding and function, missense substitution at the X position is not a common mechanism of disease (HGMD); This variant is associated with the following publications: (PMID: 31719132)

Mayo Clinic Laboratories, Mayo Clinic
Classification: Uncertain significance. Last evaluated: 2025-03-27. Review status: criteria provided, single submitter. Criteria: ACMG Guidelines, 2015. Collection method: clinical testing. Allele origin: germline. Observed: 1 variant allele.
Comment: BS1, PP2

Blueprint Genetics
Classification: Likely benign. Last evaluated: 2024-10-11. Review status: criteria provided, single submitter. Criteria: ACMG Guidelines, 2015. Collection method: clinical testing. Allele origin: germline.

All of Us Research Program, National Institutes of Health
Classification: Uncertain significance for Ehlers-Danlos syndrome, type 4. Last evaluated: 2024-05-30. Review status: criteria provided, single submitter. Criteria: ACMG Guidelines, 2015. Collection method: clinical testing. Allele origin: germline. Inheritance: Autosomal dominant inheritance. Observed: 28 variant alleles, 28 heterozygotes.
Comment: This missense variant replaces proline with leucine at codon 619 of the COL3A1 protein. Computational prediction suggests that this variant may not impact protein structure and function (internally defined REVEL score threshold <= 0.5, PMID: 27666373). To our knowledge, functional studies have not been reported for this variant. This variant has not been reported in individuals affected with cardiovascular disorders in the literature. This variant has been identified in 12/282552 chromosomes in the general population by the Genome Aggregation Database (gnomAD). The available evidence is insufficient to determine the role of this variant in disease conclusively. Therefore, this variant is classified as a Variant of Uncertain Significance.

This study involves interpretation of variants in research participants for the purpose of population health screening. Participant phenotype was not available at the time of variant classification. Additional details can be found in publication PMID: 35346344, PMCID: PMC8962531

Ambry Genetics
Classification: Likely benign for Familial thoracic aortic aneurysm and aortic dissection. Last evaluated: 2024-05-30. Review status: criteria provided, single submitter. Criteria: Ambry Variant Classification Scheme 2023. Collection method: clinical testing. Allele origin: germline.

Color Diagnostics, LLC DBA Color Health
Classification: Uncertain significance for Familial thoracic aortic aneurysm and aortic dissection. Last evaluated: 2024-04-25. Review status: criteria provided, single submitter. Criteria: ACMG Guidelines, 2015. Collection method: clinical testing. Allele origin: germline.
Comment: This missense variant replaces proline with leucine at codon 619 of the COL3A1 protein. Computational prediction tools indicate that this variant has a neutral impact on protein structure and function. To our knowledge, functional studies have not been reported for this variant. This variant has been reported in one individual affected with small vessel disease and stroke (PMID: 31719132). This variant has been identified in 12/282552 chromosomes in the general population by the Genome Aggregation Database (gnomAD). The available evidence is insufficient to determine the role of this variant in disease conclusively. Therefore, this variant is classified as a Variant of Uncertain Significance.

Illumina Laboratory Services, Illumina
Classification: Likely benign for Ehlers-Danlos syndrome, type 4. Last evaluated: 2018-01-13. Review status: criteria provided, single submitter. Criteria: ICSL Variant Classification Criteria 13 December 2019. Collection method: clinical testing. Allele origin: germline.
Comment: This variant was observed in the ICSL laboratory as part of a predisposition screen in an ostensibly healthy population. It had not been previously curated by ICSL or reported in the Human Gene Mutation Database (HGMD: prior to June 1st, 2018), and was therefore a candidate for classification through an automated scoring system. Utilizing variant allele frequency, disease prevalence and penetrance estimates, and inheritance mode, an automated score was calculated to assess if this variant is too frequent to cause the disease. Based on the score and internal cut-off values, a variant classified as likely benign is not then subjected to further curation. The score for this variant resulted in a classification of likely benign for this disease.

CSER _CC_NCGL, University of Washington
Classification: Uncertain significance for Ehlers-Danlos syndrome, type IV. Last evaluated: 2016-08-01. Review status: no assertion criteria provided. Collection method: research. Allele origin: germline. Inheritance: Autosomal dominant inheritance. Study: CSER - NEXT Medicine variant annotation. Not counted in ClinVar's aggregate classification.

Literature cited by the submitters: PubMed 31719132 (cited by Women's Health and Genetics/Laboratory Corporation of America, LabCorp and Color Diagnostics, LLC DBA Color Health).